The following is an entry in ClinVar:

ClinVar aggregate classification (germline): Uncertain significance (1 of 4 stars; one submission).

Conditions:
Hereditary cancer-predisposing syndrome. Also called: Neoplastic Syndromes, Hereditary; Tumor predisposition; Hereditary Cancer Syndrome; Hereditary neoplastic syndrome. Identifiers: Orphanet 140162, MedGen C0027672, MeSH D009386, MONDO:0015356.

Submission:

Ambry Genetics
Classification: Uncertain significance for Hereditary cancer-predisposing syndrome. Last evaluated: 2024-07-11. Review status: criteria provided, single submitter. Criteria: Ambry Variant Classification Scheme 2023. Collection method: clinical testing. Allele origin: germline.
Comment: The p.P609S variant (also known as c.1825C>T), located in coding exon 19 of the RB1 gene, results from a C to T substitution at nucleotide position 1825. The proline at codon 609 is replaced by serine, an amino acid with similar properties. This amino acid position is conserved. In addition, this alteration is predicted to be deleterious by in silico analysis. Based on the available evidence, the clinical significance of this variant remains unclear.

NM_000321.3(RB1):c.1825C>T (p.Pro609Ser)

Gene: RB1 (RB transcriptional corepressor 1; plus strand). Cytogenetic location: 13q14.2.
Variant type: single nucleotide variant.
Coding change: c.1825C>T on transcript NM_000321.3 (MANE Select); coding-DNA position 1825, C replaced by T.
Protein change: p.Pro609Ser; replaces proline 609 with serine.
Molecular consequence: missense variant.
Genome position (GRCh38, 1-based): chr13:48,456,214, C>T. VCF-style: chr13-48456214-C-T. GRCh37 (hg19) VCF-style: chr13-49030350-C-T.
Other names: c.1825C>T, p.Pro609Ser (NM_001407165.1); short protein forms P609S.
Identifiers: ClinVar variation 3430863 (VCV003430863.1).